The following is an entry in ClinVar:

ClinVar aggregate classification (germline): Uncertain significance (1 of 4 stars; one submission).

Conditions:
Arrhythmogenic right ventricular dysplasia 12. Also called: ARRHYTHMOGENIC RIGHT VENTRICULAR DYSPLASIA, FAMILIAL, 12. Identifiers: MedGen C1969081, MONDO:0012684, OMIM 611528.
Naxos disease (NXD). Also called: KERATOSIS PALMOPLANTARIS WITH ARRHYTHMOGENIC CARDIOMYOPATHY; MAL DE NAXOS; WOOLLY HAIR, PALMOPLANTAR KERATODERMA, AND CARDIAC ABNORMALITIES; CARDIOMYOPATHY, ARRHYTHMOGENIC RIGHT VENTRICULAR, WITH SKIN, HAIR, AND NAIL ABNORMALITIES; PALMOPLANTAR KERATODERMA WITH ARRHYTHMOGENIC RIGHT VENTRICULAR CARDIOMYOPATHY AND WOOLLY HAIR. Identifiers: Orphanet 34217, MedGen C1832600, MONDO:0011017, OMIM 601214.

Allele frequency attached by ClinVar (database versions not stated): gnomAD exomes below 0.00001.
gnomAD v4.1: 1 of 1,603,590 alleles (0.000062%); highest among the groups gnomAD compares: South Asian, 0.0011%; no homozygotes.

Submission:

Labcorp Genetics (formerly Invitae), Labcorp
Classification: Uncertain significance for Arrhythmogenic right ventricular dysplasia 12; Naxos disease. Last evaluated: 2022-03-09. Review status: criteria provided, single submitter. Criteria: Invitae Variant Classification Sherloc (09022015). Collection method: clinical testing. Allele origin: germline.
Comment: In summary, the available evidence is currently insufficient to determine the role of this variant in disease. Therefore, it has been classified as a Variant of Uncertain Significance. Algorithms developed to predict the effect of sequence changes on RNA splicing suggest that this variant may create or strengthen a splice site. Algorithms developed to predict the effect of missense changes on protein structure and function are either unavailable or do not agree on the potential impact of this missense change (SIFT: "Deleterious"; PolyPhen-2: "Possibly Damaging"; Align-GVGD: "Class C0"). ClinVar contains an entry for this variant (Variation ID: 934146). This variant has not been reported in the literature in individuals affected with JUP-related conditions. This variant is not present in population databases (gnomAD no frequency). This sequence change replaces leucine, which is neutral and non-polar, with valine, which is neutral and non-polar, at codon 169 of the JUP protein (p.Leu169Val).

NM_002230.4(JUP):c.505C>G (p.Leu169Val)

Gene: JUP (junction plakoglobin; minus strand). Cytogenetic location: 17q21.2.
Variant type: single nucleotide variant.
Coding change: c.505C>G on transcript NM_002230.4 (MANE Select); coding-DNA position 505, C replaced by G.
Protein change: p.Leu169Val; replaces leucine 169 with valine.
Molecular consequence: missense variant.
Genome position (GRCh38, 1-based): chr17:41,769,171, G>C on the plus strand (C>G on the coding strand, the complement: JUP is on the minus strand). VCF-style: chr17-41769171-G-C. GRCh37 (hg19) VCF-style: chr17-39925423-G-C.
Other names: c.505C>G, p.Leu169Val (NM_001352773.2, NM_001352774.2, NM_001352775.2 and 3 more transcripts); short protein forms L169V.
Identifiers: ClinVar variation 934146 (VCV000934146.9), dbSNP rs1916178629, ClinGen allele CA399503517.